The following is an entry in ClinVar:

ClinVar aggregate classification (germline): Uncertain significance (1 of 4 stars; one submission).

Conditions:
Melnick-Fraser syndrome (BOR). Also called: Branchiootorenal syndrome; Branchiootorenal Syndrome (BORS); Branchio-oto-renal syndrome. Identifiers: Orphanet 107, MedGen C0265234, MONDO:0007029.

Submission:

Labcorp Genetics (formerly Invitae), Labcorp
Classification: Uncertain significance for Melnick-Fraser syndrome. Last evaluated: 2023-04-01. Review status: criteria provided, single submitter. Criteria: Invitae Variant Classification Sherloc (09022015). Collection method: clinical testing. Allele origin: germline.
Comment: This sequence change replaces methionine, which is neutral and non-polar, with arginine, which is basic and polar, at codon 3 of the EYA1 protein (p.Met3Arg). In summary, the available evidence is currently insufficient to determine the role of this variant in disease. Therefore, it has been classified as a Variant of Uncertain Significance. Algorithms developed to predict the effect of sequence changes on RNA splicing suggest that this variant may disrupt the consensus splice site. Advanced modeling of protein sequence and biophysical properties (such as structural, functional, and spatial information, amino acid conservation, physicochemical variation, residue mobility, and thermodynamic stability) performed at Invitae indicates that this missense variant is not expected to disrupt EYA1 protein function. This variant has not been reported in the literature in individuals affected with EYA1-related conditions. This variant is not present in population databases (gnomAD no frequency).

NM_000503.6(EYA1):c.8T>G (p.Met3Arg)

Gene: EYA1 (EYA transcriptional coactivator and phosphatase 1; minus strand). Cytogenetic location: 8q13.3.
Variant type: single nucleotide variant.
Coding change: c.8T>G on transcript NM_000503.6 (MANE Select); coding-DNA position 8, T replaced by G.
Protein change: p.Met3Arg; replaces methionine 3 with arginine.
Molecular consequence: missense variant. On other transcripts: 5 prime UTR variant (1), intron variant (2).
Genome position (GRCh38, 1-based): chr8:71,354,898, A>C on the plus strand (T>G on the coding strand, the complement: EYA1 is on the minus strand). VCF-style: chr8-71354898-A-C. GRCh37 (hg19) VCF-style: chr8-72267133-A-C.
Other names: c.8T>G, p.Met3Arg (NM_001288574.2, NM_001370334.1, NM_001370335.1 and 1 more transcripts); c.-277T>G (NM_001288575.2); c.95T>G, p.Met32Arg (NM_001370333.1, NM_001370336.1, NM_172059.5); c.25+1564T>G (NM_001411797.1, NM_172060.4); short protein forms M32R, M3R.
Identifiers: ClinVar variation 2851387 (VCV002851387.3), dbSNP rs2537446532, ClinGen allele CA371529763.
Genomic context (GRCh38, chr8:71,354,898, plus strand): 5'-GGGCCACTGGGGGATTCACTACTACCACTCAGACGGCTATGCGGGCTGGTTAGATCCTGC[A>C]TTTCCATAGACCTAAAGACAAGAAGCCTTCCATTTGACAGATGTACCAAATTCATAACAC-3'
Protein context (NP_000494.2, residues 1-13): ME[Met3Arg]QDLTSPHSRL